The following is an entry in ClinVar:

ClinVar aggregate classification (germline): Uncertain significance. Review status: criteria provided, multiple submitters, no conflicts (2 of 4 stars). 2 submissions from 2 submitters: Uncertain significance (2). Last evaluated 2024-11-09.

Conditions:
Autosomal dominant nonsyndromic hearing loss 65. Also called: Deafness, autosomal dominant 65; TBC1D24-Related Autosomal Dominant Nonsyndromic Hearing Loss (DFNA). Identifiers: Orphanet 90635, MedGen C3892048, MONDO:0014470, OMIM 616044.
Developmental and epileptic encephalopathy, 1 (DEE1). Also called: X-linked infantile spasms; West's syndrome; Tonic spasms with clustering, arrest of psychomotor development and hypsarrhythmia on EEG; X-Linked Infantile Spasm Syndrome; Epileptic encephalopathy, early infantile, 1; OHTAHARA SYNDROME, X-LINKED. Identifiers: MedGen C3463992, MONDO:0010632, OMIM 308350. Disease mechanism: loss of function.

Allele frequency attached by ClinVar (database versions not stated): gnomAD exomes 0.00002; ExAC 0.00003.

Submissions (2):

Labcorp Genetics (formerly Invitae), Labcorp
Classification: Uncertain significance for Developmental and epileptic encephalopathy, 1; Autosomal dominant nonsyndromic hearing loss 65. Last evaluated: 2024-11-09. Review status: criteria provided, single submitter. Criteria: Invitae Variant Classification Sherloc (09022015). Collection method: clinical testing. Allele origin: germline.
Comment: This sequence change replaces alanine, which is neutral and non-polar, with valine, which is neutral and non-polar, at codon 193 of the TBC1D24 protein (p.Ala193Val). This variant is present in population databases (rs750266156, gnomAD 0.006%). This variant has not been reported in the literature in individuals affected with TBC1D24-related conditions. ClinVar contains an entry for this variant (Variation ID: 207500). Invitae Evidence Modeling of protein sequence and biophysical properties (such as structural, functional, and spatial information, amino acid conservation, physicochemical variation, residue mobility, and thermodynamic stability) indicates that this missense variant is not expected to disrupt TBC1D24 protein function with a negative predictive value of 80%. In summary, the available evidence is currently insufficient to determine the role of this variant in disease. Therefore, it has been classified as a Variant of Uncertain Significance.

GeneDx
Classification: Uncertain significance. Last evaluated: 2015-01-09. Review status: criteria provided, single submitter. Criteria: GeneDx Variant Classification (06012015). Collection method: clinical testing. Allele origin: germline. Affected: yes.
Comment: p.Ala193Val (GCG>GTG): c.578 C>T in exon 2 of the TBC1D24 gene (NM_001199107.1). A variant of unknown significance has been identified in the TBC1D24 gene. The A193V variant has not been published as a mutation, nor has it been reported as a benign polymorphism to our knowledge. It was not observed in approximately 6,400 individuals of European and African American ancestry in the NHLBI Exome Sequencing Project, indicating it is not a common benign variant in these populations. The A193V variant is a conservative amino acid substitution, which is not likely to impact secondary protein structure as these residues share similar properties. This substitution occurs at a position that is conserved in mammals but is not conserved in more distantly related species. However, in silico analysis predicts this variant is probably damaging to the protein structure/function. Therefore, based on the currently available information, it is unclear whether this variant is a pathogenic mutation or a rare benign variant. The variant is found in EPILEPSYV2-1 panel(s).

NM_001199107.2(TBC1D24):c.578C>T (p.Ala193Val)

Gene: TBC1D24 (TBC1 domain family member 24; plus strand). Cytogenetic location: 16p13.3.
Variant type: single nucleotide variant.
Coding change: c.578C>T on transcript NM_001199107.2 (MANE Select); coding-DNA position 578, C replaced by T.
Protein change: p.Ala193Val; replaces alanine 193 with valine.
Molecular consequence: missense variant.
Genome position (GRCh38, 1-based): chr16:2,496,726, C>T. VCF-style: chr16-2496726-C-T. GRCh37 (hg19) VCF-style: chr16-2546727-C-T.
Other names: p.A193V:GCG>GTG; c.578C>T, p.Ala193Val (NM_020705.3); short protein forms A193V.
Identifiers: ClinVar variation 207500 (VCV000207500.7), dbSNP rs750266156, ClinGen allele CA319027.